The following is an entry in ClinVar:

NM_198578.4(LRRK2):c.6184C>G (p.Leu2062Val)

Gene: LRRK2 (leucine rich repeat kinase 2; plus strand). Cytogenetic location: 12q12.
Variant type: single nucleotide variant.
Coding change: c.6184C>G on transcript NM_198578.4 (MANE Select); coding-DNA position 6184, C replaced by G.
Protein change: p.Leu2062Val; replaces leucine 2062 with valine.
Molecular consequence: missense variant.
Genome position (GRCh38, 1-based): chr12:40,346,827, C>G. VCF-style: chr12-40346827-C-G. GRCh37 (hg19) VCF-style: chr12-40740629-C-G.
Other names: short protein forms L2062V.
Identifiers: ClinVar variation 3291901 (VCV003291901.1).

ClinVar aggregate classification (germline): Uncertain significance (1 of 4 stars; one submission).

Conditions:
Inborn genetic diseases. Identifiers: MedGen C0950123, MeSH D030342.

Submission:

Ambry Genetics
Classification: Uncertain significance for Inborn genetic diseases. Last evaluated: 2024-05-31. Review status: criteria provided, single submitter. Criteria: Ambry Variant Classification Scheme 2023. Collection method: clinical testing. Allele origin: germline.
Comment: The p.L2062V variant (also known as c.6184C>G), located in coding exon 42 of the LRRK2 gene, results from a C to G substitution at nucleotide position 6184. The leucine at codon 2062 is replaced by valine, an amino acid with highly similar properties. This amino acid position is conserved. In addition, the in silico prediction for this alteration is inconclusive. Based on the available evidence, the clinical significance of this variant remains unclear.